The following is an entry in ClinVar:

ClinVar aggregate classification (germline): Uncertain significance (1 of 4 stars; one submission).

Submission:

CeGaT Center for Human Genetics Tuebingen
Classification: Uncertain significance. Last evaluated: 2023-12-01. Review status: criteria provided, single submitter. Criteria: CeGaT Center For Human Genetics Tuebingen Variant Classification Criteria Version 2. Collection method: clinical testing. Allele origin: germline. Affected: yes. Observed: 1 variant allele.
Comment: IKZF1: PM2

NM_006060.6(IKZF1):c.1166C>T (p.Ser389Phe)

Gene: IKZF1 (IKAROS family zinc finger 1; plus strand). Cytogenetic location: 7p12.2.
Variant type: single nucleotide variant.
Coding change: c.1166C>T on transcript NM_006060.6 (MANE Select); coding-DNA position 1166, C replaced by T.
Protein change: p.Ser389Phe; replaces serine 389 with phenylalanine.
Molecular consequence: missense variant.
Genome position (GRCh38, 1-based): chr7:50,400,233, C>T. VCF-style: chr7-50400233-C-T. GRCh37 (hg19) VCF-style: chr7-50467931-C-T.
Other names: c.1040C>T, p.Ser347Phe (NM_001220765.3, NM_001291837.2); c.875C>T, p.Ser292Phe (NM_001220767.2); c.905C>T, p.Ser302Phe (NM_001220768.2, NM_001291838.2); c.749C>T, p.Ser250Phe (NM_001220770.2); c.737C>T, p.Ser246Phe (NM_001220771.2, NM_001291841.1); c.779C>T, p.Ser260Phe (NM_001291839.2); c.476C>T, p.Ser159Phe (NM_001291840.1); c.707C>T, p.Ser236Phe (NM_001291842.1); and 3 more; short protein forms S159F, S194F, S204F, S236F, S246F, S250F, S260F, S292F.
Identifiers: ClinVar variation 3026654 (VCV003026654.22), dbSNP rs2153518634, ClinGen allele CA367524560.
Genomic context (GRCh38, chr7:50,400,233, plus strand): 5'-CCGTGGAGAACCTGCTGCTGCTCTCCAAGGCCAAGTTGGTGCCCTCGGAGCGCGAGGCGT[C>T]CCCGAGCAACAGCTGCCAAGACTCCACGGACACCGAGAGCAACAACGAGGAGCAGCGCAG-3'
Protein context (NP_006051.1, residues 379-399): AKLVPSEREA[Ser389Phe]PSNSCQDSTD